The following is an entry in ClinVar:

ClinVar aggregate classification (germline): Uncertain significance. Review status: criteria provided, multiple submitters, no conflicts (2 of 4 stars). 3 submissions from 3 submitters: Uncertain significance (3). Last evaluated 2023-12-04.

Conditions:
Hereditary cancer-predisposing syndrome. Also called: Neoplastic Syndromes, Hereditary; Tumor predisposition; Hereditary neoplastic syndrome; Hereditary Cancer Syndrome. Identifiers: Orphanet 140162, MedGen C0027672, MeSH D009386, MONDO:0015356.
Familial adenomatous polyposis 1 (FAP1). Also called: POLYPOSIS, ADENOMATOUS INTESTINAL; FAMILIAL ADENOMATOUS POLYPOSIS 1, ATTENUATED. Identifiers: MedGen C2713442, MONDO:0021056, OMIM 175100. Disease mechanism: loss of function.

gnomAD v4.1: 1 of 1,613,976 alleles (0.000062%); highest among the groups gnomAD compares: Non-Finnish European, 0.000085%; no homozygotes.

Submissions (3):

Color Diagnostics, LLC DBA Color Health
Classification: Uncertain significance for Hereditary cancer-predisposing syndrome. Last evaluated: 2023-12-04. Review status: criteria provided, single submitter. Criteria: ACMG Guidelines, 2015. Collection method: clinical testing. Allele origin: germline.
Comment: This missense variant replaces valine with leucine at codon 1125 of the APC protein. Computational prediction suggests that this variant may not impact protein structure and function (internally defined REVEL score threshold <= 0.5, PMID: 27666373). To our knowledge, functional studies have not been reported for this variant. This variant has not been reported in individuals affected with APC-related disorders in the literature. This variant has not been identified in the general population by the Genome Aggregation Database (gnomAD). The available evidence is insufficient to determine the role of this variant in disease conclusively. Therefore, this variant is classified as a Variant of Uncertain Significance.

Labcorp Genetics (formerly Invitae), Labcorp
Classification: Uncertain significance for Familial adenomatous polyposis 1. Last evaluated: 2023-07-07. Review status: criteria provided, single submitter. Criteria: Invitae Variant Classification Sherloc (09022015). Collection method: clinical testing. Allele origin: germline.
Comment: This variant has not been reported in the literature in individuals affected with APC-related conditions. This variant is not present in population databases (gnomAD no frequency). This sequence change replaces valine, which is neutral and non-polar, with leucine, which is neutral and non-polar, at codon 1125 of the APC protein (p.Val1125Leu). In summary, the available evidence is currently insufficient to determine the role of this variant in disease. Therefore, it has been classified as a Variant of Uncertain Significance. Advanced modeling of protein sequence and biophysical properties (such as structural, functional, and spatial information, amino acid conservation, physicochemical variation, residue mobility, and thermodynamic stability) performed at Invitae indicates that this missense variant is not expected to disrupt APC protein function. ClinVar contains an entry for this variant (Variation ID: 823680).

Ambry Genetics
Classification: Uncertain significance for Hereditary cancer-predisposing syndrome. Last evaluated: 2018-03-05. Review status: criteria provided, single submitter. Criteria: Ambry Variant Classification Scheme 2023. Collection method: clinical testing. Allele origin: germline.
Comment: The p.V1125L variant (also known as c.3373G>T), located in coding exon 15 of the APC gene, results from a G to T substitution at nucleotide position 3373. The valine at codon 1125 is replaced by leucine, an amino acid with highly similar properties. This amino acid position is well conserved in available vertebrate species. In addition, in silico predictors for this gene do not accurately predict pathogenicity. Since supporting evidence is limited at this time, the clinical significance of this alteration remains unclear.

NM_000038.6(APC):c.3373G>T (p.Val1125Leu)

Gene: APC (APC regulator of Wnt signaling pathway; plus strand). Cytogenetic location: 5q22.2.
Variant type: single nucleotide variant.
Coding change: c.3373G>T on transcript NM_000038.6 (MANE Select); coding-DNA position 3373, G replaced by T.
Protein change: p.Val1125Leu; replaces valine 1125 with leucine.
Molecular consequence: missense variant.
Genome position (GRCh38, 1-based): chr5:112,838,967, G>T. VCF-style: chr5-112838967-G-T. GRCh37 (hg19) VCF-style: chr5-112174664-G-T.
Other names: c.3373G>T, p.Val1125Leu (NM_001127510.3, NM_001354895.2); c.3319G>T, p.Val1107Leu (NM_001127511.3); c.3427G>T, p.Val1143Leu (NM_001354896.2); c.3403G>T, p.Val1135Leu (NM_001354897.2); c.3298G>T, p.Val1100Leu (NM_001354898.2); c.3289G>T, p.Val1097Leu (NM_001354899.2); c.3250G>T, p.Val1084Leu (NM_001354900.2); c.3196G>T, p.Val1066Leu (NM_001354901.2); and 5 more; short protein forms V1034L, V1097L, V842L, V999L, V1024L, V1125L, V1135L, V1066L.
Identifiers: ClinVar variation 823680 (VCV000823680.11), dbSNP rs1580634693, ClinGen allele CA16028726.